The following is an entry in ClinVar:

NM_004187.5(KDM5C):c.4661A>G (p.Gln1554Arg)

Gene: KDM5C (lysine demethylase 5C; minus strand). Cytogenetic location: Xp11.22.
Variant type: single nucleotide variant.
Coding change: c.4661A>G on transcript NM_004187.5 (MANE Select); coding-DNA position 4661, A replaced by G.
Protein change: p.Gln1554Arg; replaces glutamine 1554 with arginine.
Molecular consequence: missense variant. On other transcripts: intron variant (5).
Genome position (GRCh38, 1-based): chrX:53,192,989, T>C on the plus strand (A>G on the coding strand, the complement: KDM5C is on the minus strand). VCF-style: chrX-53192989-T-C. GRCh37 (hg19) VCF-style: chrX-53222171-T-C.
Other names: c.4658A>G, p.Gln1553Arg (NM_001282622.3); c.4652A>G, p.Gln1551Arg (NM_001353978.3); c.4305+448A>G (NM_001353982.2); c.4314+448A>G (NM_001353979.2); c.4308+448A>G (NM_001353981.2, NM_001353984.2); c.4047-152A>G (NM_001146702.2); short protein forms Q1554R, Q1551R, Q1553R.
Identifiers: ClinVar variation 3634891 (VCV003634891.2).

ClinVar aggregate classification (germline): Uncertain significance (1 of 4 stars; one submission).

Conditions:
Spastic paraplegia. Identifiers: MedGen C0037772, HP:0001258.

Submission:

Labcorp Genetics (formerly Invitae), Labcorp
Classification: Uncertain significance for Spastic paraplegia. Last evaluated: 2024-06-18. Review status: criteria provided, single submitter. Criteria: Invitae Variant Classification Sherloc (09022015). Collection method: clinical testing. Allele origin: germline.
Comment: This sequence change replaces glutamine, which is neutral and polar, with arginine, which is basic and polar, at codon 1554 of the KDM5C protein (p.Gln1554Arg). This variant is not present in population databases (gnomAD no frequency). This variant has not been reported in the literature in individuals affected with KDM5C-related conditions. Advanced modeling of protein sequence and biophysical properties (such as structural, functional, and spatial information, amino acid conservation, physicochemical variation, residue mobility, and thermodynamic stability) performed at Invitae indicates that this missense variant is not expected to disrupt KDM5C protein function with a negative predictive value of 95%. In summary, the available evidence is currently insufficient to determine the role of this variant in disease. Therefore, it has been classified as a Variant of Uncertain Significance.